The following is an entry in ClinVar:

ClinVar aggregate classification (germline): Likely benign (0 of 4 stars; one submission).

Conditions:
CEP290-related disorder. Also called: CEP290-related condition; CEP290-related disorders. Identifiers: MedGen CN239314.

Submission:

PreventionGenetics, part of Exact Sciences
Classification: Likely benign for CEP290-related condition. Last evaluated: 2022-02-08. Review status: no assertion criteria provided. Collection method: clinical testing. Allele origin: germline.
Comment: This variant is classified as likely benign based on ACMG/AMP sequence variant interpretation guidelines (Richards et al. 2015 PMID: 25741868, with internal and published modifications).

NM_025114.4(CEP290):c.1839A>G (p.Ser613=)

Gene: CEP290 (centrosomal protein 290; minus strand). Cytogenetic location: 12q21.32.
Variant type: single nucleotide variant.
Coding change: c.1839A>G on transcript NM_025114.4 (MANE Select); coding-DNA position 1839, A replaced by G.
Protein change: p.Ser613=; no amino-acid change (serine 613 retained).
Molecular consequence: synonymous variant.
Genome position (GRCh38, 1-based): chr12:88,115,168, T>C on the plus strand (A>G on the coding strand, the complement: CEP290 is on the minus strand). VCF-style: chr12-88115168-T-C. GRCh37 (hg19) VCF-style: chr12-88508945-T-C.
Identifiers: ClinVar variation 3355520 (VCV003355520.1).